The following is an entry in ClinVar:

NM_017514.5(PLXNA3):c.3073G>A (p.Val1025Ile)

Gene: PLXNA3 (plexin A3; plus strand). Cytogenetic location: Xq28.
Variant type: single nucleotide variant.
Coding change: c.3073G>A on transcript NM_017514.5 (MANE Select); coding-DNA position 3073, G replaced by A.
Protein change: p.Val1025Ile; replaces valine 1025 with isoleucine.
Molecular consequence: missense variant.
Genome position (GRCh38, 1-based): chrX:154,466,759, G>A. VCF-style: chrX-154466759-G-A. GRCh37 (hg19) VCF-style: chrX-153695102-G-A.
Other names: short protein forms V1025I.
Identifiers: ClinVar variation 3934799 (VCV003934799.2).

ClinVar aggregate classification (germline): Conflicting classifications of pathogenicity. Review status: criteria provided, conflicting classifications (1 of 4 stars). 2 submissions from 2 submitters: Uncertain significance (1); Likely benign (1). Last evaluated 2025-04-30.

Conditions:
PLXNA3-related disorder. Also called: PLXNA3-related condition.

gnomAD v4.1: 25 of 1,189,325 alleles (0.0021%); highest among the groups gnomAD compares: East Asian, 0.018%; no homozygotes.

Submissions (2):

PreventionGenetics, part of Exact Sciences
Classification: Likely benign for PLXNA3-related condition. Last evaluated: 2025-04-30. Review status: criteria provided, single submitter. Criteria: ACMG Guidelines, 2015. Collection method: clinical testing. Allele origin: germline.
Comment: This variant is classified as likely benign based on ACMG/AMP sequence variant interpretation guidelines (Richards et al. 2015 PMID: 25741868, with internal and published modifications).

Ambry Genetics
Classification: Uncertain significance. Last evaluated: 2025-03-27. Review status: criteria provided, single submitter. Criteria: Ambry Variant Classification Scheme 2023. Collection method: clinical testing. Allele origin: germline.